The following is an entry in ClinVar:

NM_000075.4(CDK4):c.254G>A (p.Arg85Gln)

Gene: CDK4 (cyclin dependent kinase 4; minus strand). Cytogenetic location: 12q14.1.
Variant type: single nucleotide variant.
Coding change: c.254G>A on transcript NM_000075.4 (MANE Select); coding-DNA position 254, G replaced by A.
Protein change: p.Arg85Gln; replaces arginine 85 with glutamine.
Molecular consequence: missense variant.
Genome position (GRCh38, 1-based): chr12:57,751,307, C>T on the plus strand (G>A on the coding strand, the complement: CDK4 is on the minus strand). VCF-style: chr12-57751307-C-T. GRCh37 (hg19) VCF-style: chr12-58145090-C-T.
Other names: short protein forms R85Q.
Identifiers: ClinVar variation 133873 (VCV000133873.17), dbSNP rs587778184, ClinGen allele CA158043.

ClinVar aggregate classification (germline): Uncertain significance. Review status: criteria provided, multiple submitters, no conflicts (2 of 4 stars). 5 submissions from 5 submitters: Uncertain significance (4). 1 of the submissions does not count toward it. Last evaluated 2025-11-05.

Conditions:
Familial melanoma. Also called: Hereditary melanoma; Hereditary cutaneous melanoma. Identifiers: Orphanet 618, MedGen C1512419, MONDO:0018961.
Hereditary cancer-predisposing syndrome. Also called: Tumor predisposition; Hereditary neoplastic syndrome; Neoplastic Syndromes, Hereditary; Hereditary Cancer Syndrome. Identifiers: Orphanet 140162, MedGen C0027672, MeSH D009386, MONDO:0015356.

Allele frequency attached by ClinVar (database versions not stated): gnomAD exomes below 0.00001 and 0.00001; TOPMed 0.00001; ExAC 0.00002; gnomAD 0.00003.
gnomAD v4.1: 5 of 1,614,150 alleles (0.00031%); highest among the groups gnomAD compares: Middle Eastern, 0.016%; no homozygotes.

Submissions (5):

Labcorp Genetics (formerly Invitae), Labcorp
Classification: Uncertain significance for Familial melanoma. Last evaluated: 2025-11-05. Review status: criteria provided, single submitter. Criteria: Invitae Variant Classification Sherloc (09022015). Collection method: clinical testing. Allele origin: germline.
Comment: This sequence change replaces arginine, which is basic and polar, with glutamine, which is neutral and polar, at codon 85 of the CDK4 protein (p.Arg85Gln). This variant is present in population databases (rs587778184, gnomAD 0.003%). This variant has not been reported in the literature in individuals affected with CDK4-related conditions. ClinVar contains an entry for this variant (Variation ID: 133873). Invitae Evidence Modeling of protein sequence and biophysical properties (such as structural, functional, and spatial information, amino acid conservation, physicochemical variation, residue mobility, and thermodynamic stability) indicates that this missense variant is not expected to disrupt CDK4 protein function with a negative predictive value of 95%. Algorithms developed to predict the effect of sequence changes on RNA splicing suggest that this variant may create or strengthen a splice site. In summary, the available evidence is currently insufficient to determine the role of this variant in disease. Therefore, it has been classified as a Variant of Uncertain Significance.

Ambry Genetics
Classification: Uncertain significance for Hereditary cancer-predisposing syndrome. Last evaluated: 2025-09-04. Review status: criteria provided, single submitter. Criteria: Ambry Variant Classification Scheme 2023. Collection method: clinical testing. Allele origin: germline.
Comment: The p.R85Q variant (also known as c.254G>A), located in coding exon 2 of the CDK4 gene, results from a G to A substitution at nucleotide position 254. The arginine at codon 85 is replaced by glutamine, an amino acid with highly similar properties. This variant was identified in a cohort of 681 ancestrally diverse, healthy subjects (Bodian DL et al. PLoS ONE 2014 Apr;9:e94554). This amino acid position is not well conserved in available vertebrate species, and glutamine is the reference amino acid in other vertebrate species. In addition, this alteration is predicted to be tolerated by in silico analysis. Since supporting evidence is limited at this time, the clinical significance of this alteration remains unclear.

Quest Diagnostics Nichols Institute San Juan Capistrano
Classification: Uncertain significance. Last evaluated: 2024-08-13. Review status: criteria provided, single submitter. Criteria: Quest Diagnostics criteria. Collection method: clinical testing. Allele origin: unknown.
Comment: The CDK4 c.254G>A (p.Arg85Gln) variant has been reported in the published literature in two separate cohorts of healthy individuals (PMIDs: 24728327 (2014) and 36243179 (2022)). The frequency of this variant in the general population, 0.000011 (3/282832 chromosomes (Genome Aggregation Database)), is uninformative in the assessment of its pathogenicity. Analysis of this variant using bioinformatics tools for the prediction of the effect of amino acid changes on protein structure and function yielded predictions that this variant is benign. Based on the available information, we are unable to determine the clinical significance of this variant.

Women's Health and Genetics/Laboratory Corporation of America, LabCorp
Classification: Uncertain significance. Last evaluated: 2022-08-09. Review status: criteria provided, single submitter. Criteria: LabCorp Variant Classification Summary - May 2015. Collection method: clinical testing. Allele origin: germline.
Comment: Variant summary: CDK4 c.254G>A (p.Arg85Gln) results in a conservative amino acid change located in the Protein kinase domain (IPR000719) of the encoded protein sequence. Four of five in-silico tools predict a benign effect of the variant on protein function. The variant allele was found at a frequency of 8e-06 in 251442 control chromosomes. The available data on variant occurrences in the general population are insufficient to allow any conclusion about variant significance. To our knowledge, no occurrence of c.254G>A in individuals affected with Cutaneous Malignant Melanoma and no experimental evidence demonstrating its impact on protein function have been reported. Two clinical diagnostic laboratories have submitted clinical-significance assessments for this variant to ClinVar after 2014 without evidence for independent evaluation. All laboratories classified the variant as uncertain significance. Based on the evidence outlined above, the variant was classified as uncertain significance.

ITMI
No classification provided. Condition: AllHighlyPenetrant. Last evaluated: 2013-09-19. Review status: no classification provided. Collection method: reference population. Allele origin: germline. Not counted in ClinVar's aggregate classification.
Comment: Please see associated publication for description of ethnicities

Literature cited by the submitters: PubMed 24728327 (cited by 3 submitters); PubMed 36243179 (cited by Quest Diagnostics Nichols Institute San Juan Capistrano).